The following is an entry in ClinVar:

NM_000195.5(HPS1):c.54A>G (p.Thr18=)

Gene: HPS1 (HPS1 biogenesis of lysosomal organelles complex 3 subunit 1; minus strand). Cytogenetic location: 10q24.2.
Variant type: single nucleotide variant.
Coding change: c.54A>G on transcript NM_000195.5 (MANE Select); coding-DNA position 54, A replaced by G.
Protein change: p.Thr18=; no amino-acid change (threonine 18 retained).
Molecular consequence: synonymous variant. On other transcripts: 5 prime UTR variant (6).
Genome position (GRCh38, 1-based): chr10:98,443,187, T>C on the plus strand (A>G on the coding strand, the complement: HPS1 is on the minus strand). VCF-style: chr10-98443187-T-C. GRCh37 (hg19) VCF-style: chr10-100202944-T-C.
Other names: c.-863A>G (NM_001311345.2); c.54A>G, p.Thr18= (NM_001322476.2, NM_001322477.2, NM_001322478.2 and 8 more transcripts); c.-173A>G (NM_001322483.2, NM_001322484.2, NM_001322485.2); c.-962A>G (NM_001322487.2); c.-720A>G (NM_001322489.2).
Identifiers: ClinVar variation 619286 (VCV000619286.10), dbSNP rs531947687, ClinGen allele CA5639525.

ClinVar aggregate classification (germline): Conflicting classifications of pathogenicity. Review status: criteria provided, conflicting classifications (1 of 4 stars). 2 submissions from 2 submitters: Uncertain significance (1); Likely benign (1). Last evaluated 2025-11-09.

Conditions:
Hermansky-Pudlak syndrome 1 (HPS1). Also called: DELTA STORAGE POOL DISEASE. Identifiers: Orphanet 231500, Orphanet 79430, MedGen C2931875, MONDO:0008748, OMIM 203300.

Allele frequency attached by ClinVar (database versions not stated): gnomAD exomes below 0.00001; ExAC 0.00001; gnomAD 0.00001; TOPMed 0.00001; 1000 Genomes Project 30x 0.00016; 1000 Genomes Project 0.00020.

Submissions (2):

Labcorp Genetics (formerly Invitae), Labcorp
Classification: Likely benign. Last evaluated: 2025-11-09. Review status: criteria provided, single submitter. Criteria: Invitae Variant Classification Sherloc (09022015). Collection method: clinical testing. Allele origin: germline.

Johns Hopkins Genomics, Johns Hopkins University
Classification: Uncertain significance for Hermansky-Pudlak syndrome 1. Last evaluated: 2019-02-06. Review status: criteria provided, single submitter. Criteria: ACMG Guidelines, 2015. Collection method: clinical testing. Allele origin: germline.
Comment: This HPS1 variant (rs531947687) is rare in large population datasets (gnomAD: 1/251494 total alleles; 0.0004%; no homozygotes), and has not been reported in ClinVar nor the literature, to our knowledge. Bioinformatic analysis predicts that this synonymous variant would not affect normal exon 3 splicing, although this has not been confirmed experimentally to our knowledge. The clinical significance of c.54A>G is uncertain at this time.